The following is an entry in ClinVar:

NM_012123.4(MTO1):c.228A>G (p.Ser76=)

Gene: MTO1 (mitochondrial tRNA translation optimization 1; plus strand). Cytogenetic location: 6q13.
Variant type: single nucleotide variant.
Coding change: c.228A>G on transcript NM_012123.4 (MANE Select); coding-DNA position 228, A replaced by G.
Protein change: p.Ser76=; no amino-acid change (serine 76 retained).
Molecular consequence: synonymous variant.
Genome position (GRCh38, 1-based): chr6:73,466,219, A>G. VCF-style: chr6-73466219-A-G. GRCh37 (hg19) VCF-style: chr6-74175942-A-G.
Other names: c.228A>G, p.Ser76= (NM_001123226.2, NM_133645.3).
Identifiers: ClinVar variation 1663323 (VCV001663323.9), dbSNP rs1770981132, ClinGen allele CA450882369.
Genomic context (GRCh38, chr6:73,466,219, plus strand): 5'-TATGTGCAAGGTGCTCATATATTTATTTTGTTTATGTCTATTATCTTTAGGTCAGATGTC[A>G]TGTAATCCTTCCTTTGGTGGCATCGGAAAGGGACATTTAATGAGGGAAGTAGATGCCTTG-3'
Protein context (NP_036255.2, residues 66-86): THRVDTIGQM[Ser76=]CNPSFGGIGK

ClinVar aggregate classification (germline): Likely benign. Review status: criteria provided, multiple submitters, no conflicts (2 of 4 stars). 2 submissions from 2 submitters: Likely benign (2). Last evaluated 2026-09-01.

Conditions:
Mitochondrial hypertrophic cardiomyopathy with lactic acidosis due to MTO1 deficiency. Also called: Combined oxidative phosphorylation deficiency 10; CARDIOMYOPATHY, INFANTILE HYPERTROPHIC MITOCHONDRIAL, AND LACTIC ACIDOSIS. Identifiers: Orphanet 314637, MedGen C4749921, MONDO:0013865, OMIM 614702.

Allele frequency attached by ClinVar (database versions not stated): gnomAD 0.00001.
gnomAD v4.1: 1 of 1,612,802 alleles (0.000062%); no homozygotes.

Submissions (2):

CeGaT Center for Human Genetics Tuebingen
Classification: Likely benign. Last evaluated: 2026-09-01. Review status: criteria provided, single submitter. Criteria: CeGaT Center For Human Genetics Tuebingen Variant Classification Criteria Version 2. Collection method: clinical testing. Allele origin: germline. Affected: yes. Observed: 1 variant allele.
Comment: MTO1: BP4, BP7

Labcorp Genetics (formerly Invitae), Labcorp
Classification: Likely benign for Mitochondrial hypertrophic cardiomyopathy with lactic acidosis due to MTO1 deficiency. Last evaluated: 2025-09-24. Review status: criteria provided, single submitter. Criteria: Invitae Variant Classification Sherloc (09022015). Collection method: clinical testing. Allele origin: germline.